The following is an entry in ClinVar:

NM_032119.4(ADGRV1):c.9642C>T (p.Ile3214=)

Gene: ADGRV1 (adhesion G protein-coupled receptor V1; plus strand). Cytogenetic location: 5q14.3.
Variant type: single nucleotide variant.
Coding change: c.9642C>T on transcript NM_032119.4 (MANE Select); coding-DNA position 9642, C replaced by T.
Protein change: p.Ile3214=; no amino-acid change (isoleucine 3214 retained).
Molecular consequence: synonymous variant. On other transcripts: non-coding transcript variant (1).
Genome position (GRCh38, 1-based): chr5:90,720,953, C>T. VCF-style: chr5-90720953-C-T. GRCh37 (hg19) VCF-style: chr5-90016770-C-T.
Identifiers: ClinVar variation 505351 (VCV000505351.8), dbSNP rs778864521, ClinGen allele CA3340565.

ClinVar aggregate classification (germline): Likely benign. Review status: criteria provided, multiple submitters, no conflicts (2 of 4 stars). 3 submissions from 3 submitters: Likely benign (3). Last evaluated 2023-05-16.

Allele frequency attached by ClinVar (database versions not stated): ExAC 0.00001; gnomAD exomes 0.00001; gnomAD 0.00002; TOPMed 0.00004.
gnomAD v4.1: 11 of 1,610,506 alleles (0.00068%); highest among the groups gnomAD compares: South Asian, 0.0033%; no homozygotes.

Submissions (3):

Labcorp Genetics (formerly Invitae), Labcorp
Classification: Likely benign. Last evaluated: 2023-05-16. Review status: criteria provided, single submitter. Criteria: Invitae Variant Classification Sherloc (09022015). Collection method: clinical testing. Allele origin: germline.

GeneDx
Classification: Likely benign. Last evaluated: 2018-04-30. Review status: criteria provided, single submitter. Criteria: GeneDx Variant Classification (06012015). Collection method: clinical testing. Allele origin: germline. Affected: yes.
Comment: This variant is considered likely benign or benign based on one or more of the following criteria: it is a conservative change, it occurs at a poorly conserved position in the protein, it is predicted to be benign by multiple in silico algorithms, and/or has population frequency not consistent with disease.

Laboratory for Molecular Medicine, Mass General Brigham Personalized Medicine
Classification: Likely benign. Last evaluated: 2016-11-18. Review status: criteria provided, single submitter. Criteria: LMM Criteria. Collection method: clinical testing. Allele origin: germline. Observed: 1 variant allele.
Comment: p.Ile3214Ile in exon 45 of GPR98: This variant is not expected to have clinical significance because it does not alter an amino acid residue and it is not loca ted within the splice consensus sequence. It has been identified in 1/66694 of E uropean chromosomes by the Exome Aggregation Consortium (ExAC; dbSNP rs778864521).